The following is an entry in ClinVar:

NM_001112741.2(KCNC1):c.1709G>T (p.Ser570Ile)

Gene: KCNC1 (potassium voltage-gated channel subfamily C member 1; plus strand). Cytogenetic location: 11p15.1.
Variant type: single nucleotide variant.
Coding change: c.1709G>T on transcript NM_001112741.2 (MANE Select); coding-DNA position 1709, G replaced by T.
Protein change: p.Ser570Ile; replaces serine 570 with isoleucine.
Molecular consequence: missense variant.
Genome position (GRCh38, 1-based): chr11:17,781,685, G>T. VCF-style: chr11-17781685-G-T. GRCh37 (hg19) VCF-style: chr11-17803232-G-T.
Other names: c.1709G>T (NM_001112741.1); short protein forms S570I.
Identifiers: ClinVar variation 3719546 (VCV003719546.3).
Genomic context (GRCh38, chr11:17,781,685, plus strand): 5'-GCCAAGAAGAGAAGCTCAAGTGTTAATTGTATTCTTTACATACAGATCTTTGCAAAGAAA[G>T]CCCTGTCATTGCTAAGTATATGCCGACAGAGGCTGTGAGAGTGACTTGACCAGGCGGCTT-3'
Protein context (NP_001106212.1, residues 560-580): GGMRKDLCKE[Ser570Ile]PVIAKYMPTE

ClinVar aggregate classification (germline): Uncertain significance. Review status: criteria provided, multiple submitters, no conflicts (2 of 4 stars). 2 submissions from 2 submitters: Uncertain significance (2). Last evaluated 2025-03-22.

Conditions:
Inborn genetic diseases. Identifiers: MedGen C0950123, MeSH D030342.
Progressive myoclonic epilepsy type 7. Identifiers: Orphanet 435438, MedGen C4015420, MONDO:0014521, OMIM 616187.

Submissions (2):

Ambry Genetics
Classification: Uncertain significance for Inborn genetic diseases. Last evaluated: 2025-03-22. Review status: criteria provided, single submitter. Criteria: Ambry Variant Classification Scheme 2023. Collection method: clinical testing. Allele origin: germline.

Labcorp Genetics (formerly Invitae), Labcorp
Classification: Uncertain significance for Progressive myoclonic epilepsy type 7. Last evaluated: 2025-01-07. Review status: criteria provided, single submitter. Criteria: Invitae Variant Classification Sherloc (09022015). Collection method: clinical testing. Allele origin: germline.
Comment: This sequence change replaces serine, which is neutral and polar, with isoleucine, which is neutral and non-polar, at codon 570 of the KCNC1 protein (p.Ser570Ile). This variant is not present in population databases (gnomAD no frequency). This variant has not been reported in the literature in individuals affected with KCNC1-related conditions. Invitae Evidence Modeling of protein sequence and biophysical properties (such as structural, functional, and spatial information, amino acid conservation, physicochemical variation, residue mobility, and thermodynamic stability) indicates that this missense variant is not expected to disrupt KCNC1 protein function with a negative predictive value of 95%. In summary, the available evidence is currently insufficient to determine the role of this variant in disease. Therefore, it has been classified as a Variant of Uncertain Significance.